The following is an entry in ClinVar:

NM_001261826.3(AP3D1):c.1315G>A (p.Ala439Thr)

Gene: AP3D1 (adaptor related protein complex 3 subunit delta 1; minus strand). Cytogenetic location: 19p13.3.
Variant type: single nucleotide variant.
Coding change: c.1315G>A on transcript NM_001261826.3 (MANE Select); coding-DNA position 1315, G replaced by A.
Protein change: p.Ala439Thr; replaces alanine 439 with threonine.
Molecular consequence: missense variant.
Genome position (GRCh38, 1-based): chr19:2,121,028, C>T on the plus strand (G>A on the coding strand, the complement: AP3D1 is on the minus strand). VCF-style: chr19-2121028-C-T. GRCh37 (hg19) VCF-style: chr19-2121027-C-T.
Other names: p.Ala439Thr; c.1315G>A, p.Ala439Thr (NM_001374799.1, NM_003938.8); short protein forms A439T.
Identifiers: ClinVar variation 1915306 (VCV001915306.6), dbSNP rs753553792, ClinGen allele CA9059347.

ClinVar aggregate classification (germline): Uncertain significance. Review status: criteria provided, multiple submitters, no conflicts (2 of 4 stars). 2 submissions from 2 submitters: Uncertain significance (2). Last evaluated 2025-09-07.

Allele frequency attached by ClinVar (database versions not stated): gnomAD 0.00004; ExAC 0.00005.
gnomAD v4.1: 117 of 1,612,412 alleles (0.0073%); highest among the groups gnomAD compares: Non-Finnish European, 0.0093%; no homozygotes.

Submissions (2):

Mayo Clinic Laboratories, Mayo Clinic
Classification: Uncertain significance. Last evaluated: 2025-09-07. Review status: criteria provided, single submitter. Criteria: ACMG Guidelines, 2015. Collection method: clinical testing. Allele origin: germline. Observed: 1 variant allele.
Comment: BP4_moderate

Labcorp Genetics (formerly Invitae), Labcorp
Classification: Uncertain significance. Last evaluated: 2025-07-29. Review status: criteria provided, single submitter. Criteria: Invitae Variant Classification Sherloc (09022015). Collection method: clinical testing. Allele origin: germline.
Comment: This sequence change replaces alanine, which is neutral and non-polar, with threonine, which is neutral and polar, at codon 439 of the AP3D1 protein (p.Ala439Thr). This variant is present in population databases (rs753553792, gnomAD 0.01%). This variant has not been reported in the literature in individuals affected with AP3D1-related conditions. ClinVar contains an entry for this variant (Variation ID: 1915306). An algorithm developed to predict the effect of missense changes on protein structure and function (PolyPhen-2) suggests that this variant is likely to be tolerated. In summary, the available evidence is currently insufficient to determine the role of this variant in disease. Therefore, it has been classified as a Variant of Uncertain Significance.